The following is an entry in ClinVar:

NM_004385.5(VCAN):c.3102A>C (p.Glu1034Asp)

Gene: VCAN (versican; plus strand). Cytogenetic location: 5q14.3.
Variant type: single nucleotide variant.
Coding change: c.3102A>C on transcript NM_004385.5 (MANE Select); coding-DNA position 3102, A replaced by C.
Protein change: p.Glu1034Asp; replaces glutamic acid 1034 with aspartic acid.
Molecular consequence: missense variant. On other transcripts: intron variant (2).
Genome position (GRCh38, 1-based): chr5:83,521,408, A>C. VCF-style: chr5-83521408-A-C. GRCh37 (hg19) VCF-style: chr5-82817227-A-C.
Other names: c.3102A>C, p.Glu1034Asp (NM_001164098.2); c.1042+9012A>C (NM_001164097.2, NM_001126336.3); short protein forms E1034D.
Identifiers: ClinVar variation 2710691 (VCV002710691.3), dbSNP rs2479055871, ClinGen allele CA360305342.

ClinVar aggregate classification (germline): Uncertain significance (1 of 4 stars; one submission).

Submission:

Labcorp Genetics (formerly Invitae), Labcorp
Classification: Uncertain significance. Last evaluated: 2024-01-21. Review status: criteria provided, single submitter. Criteria: Invitae Variant Classification Sherloc (09022015). Collection method: clinical testing. Allele origin: germline.
Comment: This sequence change replaces glutamic acid, which is acidic and polar, with aspartic acid, which is acidic and polar, at codon 1034 of the VCAN protein (p.Glu1034Asp). This variant is not present in population databases (gnomAD no frequency). This variant has not been reported in the literature in individuals affected with VCAN-related conditions. Algorithms developed to predict the effect of missense changes on protein structure and function output the following: SIFT: "Not Available"; PolyPhen-2: "Benign"; Align-GVGD: "Not Available". The aspartic acid amino acid residue is found in multiple mammalian species, which suggests that this missense change does not adversely affect protein function. In summary, the available evidence is currently insufficient to determine the role of this variant in disease. Therefore, it has been classified as a Variant of Uncertain Significance.